The following is an entry in ClinVar:

ClinVar aggregate classification (germline): Conflicting classifications of pathogenicity. Review status: criteria provided, conflicting classifications (1 of 4 stars). 2 submissions from 2 submitters: Uncertain significance (1); Likely benign (1). Last evaluated 2023-03-23.

Conditions:
Hereditary cancer-predisposing syndrome. Also called: Neoplastic Syndromes, Hereditary; Hereditary Cancer Syndrome; Hereditary neoplastic syndrome; Tumor predisposition. Identifiers: Orphanet 140162, MedGen C0027672, MeSH D009386, MONDO:0015356.
Hereditary breast ovarian cancer syndrome. Also called: Hereditary breast and ovarian cancer syndrome; BRCA1- and BRCA2-Associated Hereditary Breast and Ovarian Cancer; Hereditary breast and ovarian cancer; Hereditary breast and/or ovarian cancer syndrome; Hereditary breast and ovarian cancer syndrome (HBOC); Breast and ovarian cancer. Identifiers: Orphanet 145, MedGen C0677776, MeSH D061325, MONDO:0003582. Disease mechanism: loss of function.

Submissions (2):

University of Washington Department of Laboratory Medicine, University of Washington
Classification: Likely benign for Hereditary cancer-predisposing syndrome. Last evaluated: 2023-03-23. Review status: criteria provided, single submitter. Criteria: Dines et al. (Genet Med. 2020). Collection method: curation. Allele origin: germline.
Comment: Missense variant in a coldspot region where missense variants are very unlikely to be pathogenic (PMID:31911673).

BRCA1 coldspot (exon 11 using historical exon numbering). Reclassification based on statistical prior probability

Labcorp Genetics (formerly Invitae), Labcorp
Classification: Uncertain significance for Hereditary breast ovarian cancer syndrome. Last evaluated: 2023-03-07. Review status: criteria provided, single submitter. Criteria: Invitae Variant Classification Sherloc (09022015). Collection method: clinical testing. Allele origin: germline.
Comment: This variant has not been reported in the literature in individuals affected with BRCA1-related conditions. This variant is not present in population databases (gnomAD no frequency). This sequence change replaces serine, which is neutral and polar, with arginine, which is basic and polar, at codon 803 of the BRCA1 protein (p.Ser803Arg). ClinVar contains an entry for this variant (Variation ID: 2109006). In summary, the available evidence is currently insufficient to determine the role of this variant in disease. Therefore, it has been classified as a Variant of Uncertain Significance. Advanced modeling of protein sequence and biophysical properties (such as structural, functional, and spatial information, amino acid conservation, physicochemical variation, residue mobility, and thermodynamic stability) performed at Invitae indicates that this missense variant is not expected to disrupt BRCA1 protein function.

NM_007294.4(BRCA1):c.2409T>A (p.Ser803Arg)

Gene: BRCA1 (BRCA1 DNA repair associated; minus strand). Cytogenetic location: 17q21.31.
Variant type: single nucleotide variant.
Coding change: c.2409T>A on transcript NM_007294.4 (MANE Select); coding-DNA position 2409, T replaced by A.
Protein change: p.Ser803Arg; replaces serine 803 with arginine.
Molecular consequence: missense variant. On other transcripts: intron variant (137).
Genome position (GRCh38, 1-based): chr17:43,093,122, A>T on the plus strand (T>A on the coding strand, the complement: BRCA1 is on the minus strand). VCF-style: chr17-43093122-A-T. GRCh37 (hg19) VCF-style: chr17-41245139-A-T.
Other names: c.2076T>A, p.Ser692Arg (NM_001407948.1, NM_001407949.1, NM_001407950.1 and 6 more transcripts); c.2073T>A, p.Ser691Arg (NM_001407954.1, NM_001407955.1, NM_001407956.1 and 1 more transcripts); c.2028T>A, p.Ser676Arg (NM_001407959.1, NM_001407960.1, NM_001407963.1); c.2025T>A, p.Ser675Arg (NM_001407962.1); c.646+1622T>A (NM_001408467.1, NM_001408459.1, NM_001408469.1 and 11 more transcripts); c.583+1622T>A (NM_001408475.1); c.709+1622T>A (NM_001408412.1, NM_001408409.1, NM_001408414.1 and 2 more transcripts); c.406+1622T>A (NM_001408510.1); and 41 more; short protein forms S676R, S755R, S762R, S776R, S803R, S714R, S715R, S733R.
Identifiers: ClinVar variation 2109006 (VCV002109006.6), dbSNP rs1555589731, ClinGen allele CA10597190.